The following is an entry in ClinVar:

NM_000782.5(CYP24A1):c.1207G>A (p.Val403Ile)

Gene: CYP24A1 (cytochrome P450 family 24 subfamily A member 1; minus strand). Cytogenetic location: 20q13.2.
Variant type: single nucleotide variant.
Coding change: c.1207G>A on transcript NM_000782.5 (MANE Select); coding-DNA position 1207, G replaced by A.
Protein change: p.Val403Ile; replaces valine 403 with isoleucine.
Molecular consequence: missense variant.
Genome position (GRCh38, 1-based): chr20:54,158,115, C>T on the plus strand (G>A on the coding strand, the complement: CYP24A1 is on the minus strand). VCF-style: chr20-54158115-C-T. GRCh37 (hg19) VCF-style: chr20-52774654-C-T.
Other names: c.1207G>A, p.Val403Ile (NM_001128915.2); short protein forms V403I.
Identifiers: ClinVar variation 338814 (VCV000338814.11), dbSNP rs373243941, ClinGen allele CA9915861.

ClinVar aggregate classification (germline): Uncertain significance. Review status: criteria provided, multiple submitters, no conflicts (2 of 4 stars). 4 submissions from 4 submitters: Uncertain significance (4). Last evaluated 2025-08-28.

Conditions:
Hypercalcemia, infantile, 1 (HCINF1). Identifiers: Orphanet 300547, MedGen CN031131, MONDO:0020739, OMIM 143880.
Inborn genetic diseases. Identifiers: MedGen C0950123, MeSH D030342.

Allele frequency attached by ClinVar (database versions not stated): ESP Exome Variant Server 0.00008; gnomAD exomes below 0.00001; ExAC 0.00001; TOPMed 0.00002; gnomAD 0.00005 and 0.00004.
gnomAD v4.1: 56 of 1,613,892 alleles (0.0035%); highest among the groups gnomAD compares: Non-Finnish European, 0.0047%; no homozygotes.

Submissions (4):

Ambry Genetics
Classification: Uncertain significance for Inborn genetic diseases. Last evaluated: 2025-08-28. Review status: criteria provided, single submitter. Criteria: Ambry Variant Classification Scheme 2023. Collection method: clinical testing. Allele origin: germline.

Fulgent Genetics
Classification: Uncertain significance for Hypercalcemia, infantile, 1. Last evaluated: 2021-11-11. Review status: criteria provided, single submitter. Criteria: ACMG Guidelines, 2015. Collection method: clinical testing. Allele origin: unknown.

Illumina Laboratory Services, Illumina
Classification: Uncertain significance for Hypercalcemia, infantile, 1. Last evaluated: 2018-01-12. Review status: criteria provided, single submitter. Criteria: ICSL Variant Classification Criteria 13 December 2019. Collection method: clinical testing. Allele origin: germline.

Laboratory for Molecular Medicine, Mass General Brigham Personalized Medicine
Classification: Uncertain significance. Last evaluated: 2017-06-05. Review status: criteria provided, single submitter. Criteria: LMM Criteria. Collection method: clinical testing. Allele origin: germline. Observed: 1 variant allele.
Comment: The p.Val403Ile variant in CYP24A1 has not been previously reported in individua ls with infantile hypercalcemia, but has been reported in ClinVar (Variation ID 338814). It has also been identified in 8/126642 European chromosomes by the Gen ome Aggregation Database (gnomAD; dbSNP rs3732 43941). Although this variant has been seen in the general population, its frequ ency is not high enough to rule out a pathogenic role. Computational prediction tools and conservation analysis suggest that the p.Val403Ile variant may not imp act the protein, though this information is not predictive enough to rule out pa thogenicity. In summary, the clinical significance of the p.Val403Ile variant is uncertain.